The following is an entry in ClinVar:

ClinVar aggregate classification (germline): Uncertain significance. Review status: criteria provided, multiple submitters, no conflicts (2 of 4 stars). 2 submissions from 2 submitters: Uncertain significance (2). Last evaluated 2023-01-15.

Conditions:
Nephronophthisis. Also called: Juvenile Nephronophthisis. Identifiers: Orphanet 655, MedGen C0687120, MONDO:0019005, HP:0000090.

Submissions (2):

Labcorp Genetics (formerly Invitae), Labcorp
Classification: Uncertain significance for Nephronophthisis. Last evaluated: 2023-01-15. Review status: criteria provided, single submitter. Criteria: Invitae Variant Classification Sherloc (09022015). Collection method: clinical testing. Allele origin: germline.
Comment: In summary, the available evidence is currently insufficient to determine the role of this variant in disease. Therefore, it has been classified as a Variant of Uncertain Significance. Algorithms developed to predict the effect of sequence changes on RNA splicing suggest that this variant may disrupt the consensus splice site. ClinVar contains an entry for this variant (Variation ID: 500750). This variant has been observed in individual(s) with nephronophthisis (Invitae). This variant is present in population databases (no rsID available, gnomAD 0.003%). This sequence change falls in intron 25 of the NPHP3 gene. It does not directly change the encoded amino acid sequence of the NPHP3 protein.

Eurofins Ntd Llc (ga)
Classification: Uncertain significance. Last evaluated: 2017-03-08. Review status: criteria provided, single submitter. Criteria: EGL Classification Definitions 2015. Collection method: clinical testing. Allele origin: germline. Observed: 1 variant allele, 1 heterozygote.

NM_153240.5(NPHP3):c.3697-11_3697-7del

Genes: NPHP3 (nephrocystin 3; minus strand), NPHP3-ACAD11 (NPHP3-ACAD11 readthrough (NMD candidate); minus strand). Cytogenetic location: 3q22.1.
Variant type: Deletion.
Coding change: c.3697-11_3697-7del on transcript NM_153240.5 (MANE Select); 11 bases into the intron before coding-DNA position 3697 through 7 bases into the intron before coding-DNA position 3697, 5 bases deleted (TTTTT; older notation c.3697-11_3697-7delTTTTT).
Molecular consequence: intron variant.
Genome position (GRCh38, 1-based): chr3:132,682,825-132,682,829, AAAAA deleted on the plus strand (TTTTT on the coding strand, the reverse complement: NPHP3 is on the minus strand); deleting any 5 consecutive bases within chr3:132,682,825-132,682,832 gives the same sequence; the c. name uses the placement nearest the transcript's 3' end. VCF-style (leftmost placement, unchanged base first): chr3-132682824-TAAAAA-T. GRCh37 (hg19) VCF-style: chr3-132401668-TAAAAA-T.
Other names: c.3697-11_3697-7delTTTTT (NM_153240.4).
Identifiers: ClinVar variation 500750 (VCV000500750.10), dbSNP rs564013823, ClinGen allele CA546265927.
Genomic context (GRCh38, chr3:132,682,824, plus strand): 5'-CTTCATAAATCTTTAATGCTCTTTCATATAATGGCAAAGCTTCAACGTGTTTTTTCTTAT[TAAAAA>T]AAATGATAATGCTCATGCACACTGGGTTTCTGAAATTAATGTATTCTAGACTAAGCTAAC-3'